The following is an entry in ClinVar:

ClinVar aggregate classification (germline): Likely benign (1 of 4 stars; one submission).

Submission:

GeneDx
Classification: Likely benign. Last evaluated: 2016-01-04. Review status: criteria provided, single submitter. Criteria: GeneDx Variant Classification (06012015). Collection method: clinical testing. Allele origin: germline. Affected: yes.
Comment: This variant is considered likely benign or benign based on one or more of the following criteria: it is a conservative change, it occurs at a poorly conserved position in the protein, it is predicted to be benign by multiple in silico algorithms, and/or has population frequency not consistent with disease.

NM_006231.4(POLE):c.2027-12C>T

Gene: POLE (DNA polymerase epsilon, catalytic subunit; minus strand). Cytogenetic location: 12q24.33.
Variant type: single nucleotide variant.
Coding change: c.2027-12C>T on transcript NM_006231.4 (MANE Select); 12 bases into the intron before coding-DNA position 2027, C replaced by T.
Molecular consequence: intron variant.
Genome position (GRCh38, 1-based): chr12:132,668,514, G>A on the plus strand (C>T on the coding strand, the complement: POLE is on the minus strand). VCF-style: chr12-132668514-G-A. GRCh37 (hg19) VCF-style: chr12-133245100-G-A.
Identifiers: ClinVar variation 382753 (VCV000382753.1), dbSNP rs767811987, ClinGen allele CA16607158.